The following is an entry in ClinVar:

ClinVar aggregate classification (germline): Likely benign (0 of 4 stars; one submission).

Conditions:
SLC4A7-related disorder. Also called: SLC4A7-related condition.

Submission:

PreventionGenetics, part of Exact Sciences
Classification: Likely benign for SLC4A7-related condition. Last evaluated: 2019-09-11. Review status: no assertion criteria provided. Collection method: clinical testing. Allele origin: germline.
Comment: This variant is classified as likely benign based on ACMG/AMP sequence variant interpretation guidelines (Richards et al. 2015 PMID: 25741868, with internal and published modifications).

NM_001321103.2(SLC4A7):c.706C>A (p.Arg236=)

Gene: SLC4A7 (solute carrier family 4 member 7; minus strand). Cytogenetic location: 3p24.1.
Variant type: single nucleotide variant.
Coding change: c.706C>A on transcript NM_001321103.2 (MANE Select); coding-DNA position 706, C replaced by A.
Protein change: p.Arg236=; no amino-acid change (arginine 236 retained).
Molecular consequence: synonymous variant. On other transcripts: non-coding transcript variant (4).
Genome position (GRCh38, 1-based): chr3:27,433,988, G>T on the plus strand (C>A on the coding strand, the complement: SLC4A7 is on the minus strand). VCF-style: chr3-27433988-G-T. GRCh37 (hg19) VCF-style: chr3-27475479-G-T.
Other names: c.679C>A, p.Arg227= (NM_003615.5, NM_001258380.2); c.694C>A, p.Arg232= (NM_001258379.2, NM_001321106.2, NM_001321107.2); c.706C>A, p.Arg236= (NM_001321104.2, NM_001321105.2, NM_001321108.2).
Identifiers: ClinVar variation 3039854 (VCV003039854.2), dbSNP rs2056529409, ClinGen allele CA432849863.
Genomic context (GRCh38, chr3:27,433,988, plus strand): 5'-GCAAGTGAGGGTCAGAATGTTTCTTGCCTATATCTGCAAAAGATCGAACAAGAGGAATCC[G>T]ACTGGTGAATCTTTTCTCATTCTGATGATGATGTCTCTTCAGAAGAGCTTCTCTGACATT-3'
Protein context (NP_001308032.1, residues 226-246): HHQNEKRFTS[Arg236=]IPLVRSFADI